The following is an entry in ClinVar:

NM_006214.4(PHYH):c.829-19A>G

Gene: PHYH (phytanoyl-CoA 2-hydroxylase; minus strand). Cytogenetic location: 10p13.
Variant type: single nucleotide variant.
Coding change: c.829-19A>G on transcript NM_006214.4 (MANE Select); 19 bases into the intron before coding-DNA position 829, A replaced by G.
Molecular consequence: intron variant.
Genome position (GRCh38, 1-based): chr10:13,281,129, T>C on the plus strand (A>G on the coding strand, the complement: PHYH is on the minus strand). VCF-style: chr10-13281129-T-C. GRCh37 (hg19) VCF-style: chr10-13323129-T-C.
Other names: c.835-19A>G (NM_001323082.2); c.565-19A>G (NM_001323083.2); c.529-19A>G (NM_001037537.2, NM_001323080.2); c.535-19A>G (NM_001323084.2).
Identifiers: ClinVar variation 1504864 (VCV001504864.3), dbSNP rs1470958793, ClinGen allele CA592080805.

ClinVar aggregate classification (germline): Uncertain significance (1 of 4 stars; one submission).

Allele frequency attached by ClinVar (database versions not stated): gnomAD exomes below 0.00001; gnomAD 0.00001; TOPMed 0.00002.

Submission:

Labcorp Genetics (formerly Invitae), Labcorp
Classification: Uncertain significance. Last evaluated: 2022-10-17. Review status: criteria provided, single submitter. Criteria: Invitae Variant Classification Sherloc (09022015). Collection method: clinical testing. Allele origin: germline.
Comment: This sequence change falls in intron 7 of the PHYH gene. It does not directly change the encoded amino acid sequence of the PHYH protein. This variant is present in population databases (no rsID available, gnomAD 0.003%). This variant has not been reported in the literature in individuals affected with PHYH-related conditions. ClinVar contains an entry for this variant (Variation ID: 1504864). Algorithms developed to predict the effect of sequence changes on RNA splicing suggest that this variant may create or strengthen a splice site. In summary, the available evidence is currently insufficient to determine the role of this variant in disease. Therefore, it has been classified as a Variant of Uncertain Significance.